The following is an entry in ClinVar:

ClinVar aggregate classification (germline): Benign/Likely benign. Review status: criteria provided, multiple submitters, no conflicts (2 of 4 stars). 13 submissions from 10 submitters: Benign (5); Likely benign (6). 2 of the submissions do not count toward it. Last evaluated 2026-09-21.

Conditions:
Dilated cardiomyopathy 1G (CMD1G). Identifiers: Orphanet 154, MedGen C1858763, MONDO:0011400, OMIM 604145.
Autosomal recessive limb-girdle muscular dystrophy type 2J (LGMDR10). Also called: Limb-girdle muscular dystrophy, type 2J; MUSCULAR DYSTROPHY, LIMB-GIRDLE, AUTOSOMAL RECESSIVE 10. Identifiers: Orphanet 140922, MedGen C1837342, MONDO:0012127, OMIM 608807.
Early-onset myopathy with fatal cardiomyopathy (CMYO5). Also called: Salih Myopathy; CONGENITAL MYOPATHY 5 WITH CARDIOMYOPATHY. Identifiers: Orphanet 289377, MedGen C2673677, MONDO:0012714, OMIM 611705. Disease mechanism: loss of function.
Myopathy, myofibrillar, 9, with early respiratory failure (MFM9). Also called: Hereditary myopathy with early respiratory failure; MYOPATHY, PROXIMAL, WITH EARLY RESPIRATORY MUSCLE INVOLVEMENT; Myopathy, distal, with early respiratory failure, autosomal dominant; EDSTROM MYOPATHY. Identifiers: Orphanet 178464, Orphanet 34521, MedGen C1863599, MONDO:0011362, OMIM 603689.
Tibial muscular dystrophy (TMD). Also called: UDD MYOPATHY; Tibial muscular dystrophy, tardive; Udd Distal Myopathy – Tibial Muscular Dystrophy. Identifiers: Orphanet 609, MedGen C1838244, MONDO:0010870, OMIM 600334.

Allele frequency attached by ClinVar (database versions not stated): TOPMed 0.00087; ESP Exome Variant Server 0.00099; gnomAD exomes 0.00023; gnomAD 0.00076 and 0.00081; 1000 Genomes Project 30x 0.00141; ExAC 0.00034; 1000 Genomes Project 0.00160.
gnomAD v4.1: 241 of 1,613,826 alleles (0.015%); highest among the groups gnomAD compares: African/African-American, 0.26%; 1 homozygote.

Submissions (13):

Molecular Diagnostic Laboratory for Inherited Cardiovascular Disease, Montreal Heart Institute
Classification: Likely benign. Last evaluated: 2026-09-21. Review status: criteria provided, single submitter. Criteria: ACMG Guidelines, 2015. Collection method: clinical testing. Allele origin: germline. Affected: no.
Comment: BS1;BP1

Labcorp Genetics (formerly Invitae), Labcorp
Classification: Likely benign for Dilated cardiomyopathy 1G; Autosomal recessive limb-girdle muscular dystrophy type 2J. Last evaluated: 2026-01-31. Review status: criteria provided, single submitter. Criteria: Invitae Variant Classification Sherloc (09022015). Collection method: clinical testing. Allele origin: germline.

Women's Health and Genetics/Laboratory Corporation of America, LabCorp
Classification: Likely benign. Last evaluated: 2025-06-03. Review status: criteria provided, single submitter. Criteria: LabCorp Variant Classification Summary - May 2015. Collection method: clinical testing. Allele origin: germline.
Comment: Variant summary: TTN c.25238C>T (p.Ser8413Leu) results in a non-conservative amino acid change in the encoded protein sequence. Algorithms developed to predict the effect of missense changes on protein structure and function are either unavailable or do not agree on the potential impact of this missense change. The variant allele was found at a frequency of 0.00015 in 1606856 control chromosomes, including 1 homozygote in the gnomAD database (v4.1 dataset). The observed variant frequency within African or African-American control individuals (of 0.0026) is approximately 6-fold of the estimated maximal expected allele frequency for a pathogenic variant in TTN causing Dilated Cardiomyopathy phenotype (0.00039). To our knowledge, no occurrence of c.25238C>T in individuals affected with Dilated Cardiomyopathy and no experimental evidence demonstrating its impact on protein function have been reported. ClinVar contains an entry for this variant (Variation ID: 46816). Based on the evidence outlined above, the variant was classified as likely benign.

Mayo Clinic Laboratories, Mayo Clinic
Classification: Likely benign. Last evaluated: 2025-02-26. Review status: criteria provided, single submitter. Criteria: ACMG Guidelines, 2015. Collection method: clinical testing. Allele origin: germline. Observed: 2 variant alleles.
Comment: BS1

GeneDx
Classification: Likely benign. Last evaluated: 2021-10-19. Review status: criteria provided, single submitter. Criteria: GeneDx Variant Classification Process June 2021. Collection method: clinical testing. Allele origin: germline. Affected: yes.

Genome-Nilou Lab
Classification: Benign for Autosomal recessive limb-girdle muscular dystrophy type 2J. Last evaluated: 2021-09-10. Review status: criteria provided, single submitter. Criteria: ACMG Guidelines, 2015. Collection method: clinical testing. Allele origin: germline. Affected: no.

Genome-Nilou Lab
Classification: Benign for Myopathy, myofibrillar, 9, with early respiratory failure. Last evaluated: 2021-09-10. Review status: criteria provided, single submitter. Criteria: ACMG Guidelines, 2015. Collection method: clinical testing. Allele origin: germline. Affected: no.

Genome-Nilou Lab
Classification: Benign for Early-onset myopathy with fatal cardiomyopathy. Last evaluated: 2021-09-10. Review status: criteria provided, single submitter. Criteria: ACMG Guidelines, 2015. Collection method: clinical testing. Allele origin: germline. Affected: no.

Genome-Nilou Lab
Classification: Benign for Tibial muscular dystrophy. Last evaluated: 2021-09-10. Review status: criteria provided, single submitter. Criteria: ACMG Guidelines, 2015. Collection method: clinical testing. Allele origin: germline. Affected: no.

Athena Diagnostics
Classification: Benign. Last evaluated: 2017-10-25. Review status: criteria provided, single submitter. Criteria: Athena Diagnostics Criteria. Collection method: clinical testing. Allele origin: germline.

Laboratory for Molecular Medicine, Mass General Brigham Personalized Medicine
Classification: Likely benign. Last evaluated: 2015-09-22. Review status: criteria provided, single submitter. Criteria: LMM Criteria. Collection method: clinical testing. Allele origin: germline. Observed: 4 variant alleles.
Comment: p.Ser8413Leu in exon 97 of TTN: This variant is not expected to have clinical si gnificance because it has been identified in 0.3% (31/9754) of African chromosom es by the Exome Aggregation Consortium (ExAC; d bSNP rs200049911).

Clinical Genetics DNA and cytogenetics Diagnostics Lab, Erasmus MC, Erasmus Medical Center
Classification: Likely benign. Review status: no assertion criteria provided. Collection method: clinical testing. Allele origin: germline. Affected: yes. Study: VKGL Data-share Consensus. Not counted in ClinVar's aggregate classification.

Clinical Genetics, Academic Medical Center
Classification: Benign. Review status: no assertion criteria provided. Collection method: clinical testing. Allele origin: germline. Affected: yes. Study: VKGL Data-share Consensus. Not counted in ClinVar's aggregate classification.

NM_001267550.2(TTN):c.28970C>T (p.Ser9657Leu)

Gene: TTN (titin; minus strand). Cytogenetic location: 2q31.2.
Variant type: single nucleotide variant.
Coding change: c.28970C>T on transcript NM_001267550.2 (MANE Select); coding-DNA position 28970, C replaced by T.
Protein change: p.Ser9657Leu; replaces serine 9657 with leucine.
Molecular consequence: missense variant. On other transcripts: intron variant (3).
Genome position (GRCh38, 1-based): chr2:178,707,597, G>A on the plus strand (C>T on the coding strand, the complement: TTN is on the minus strand). VCF-style: chr2-178707597-G-A. GRCh37 (hg19) VCF-style: chr2-179572324-G-A.
Other names: p.S9340L:TCG>TTG; p.Ser9340Leu; c.28019C>T, p.Ser9340Leu (NM_001256850.1); c.25238C>T, p.Ser8413Leu (NM_133378.4); c.13282+30485C>T (NM_003319.4); c.13858+30485C>T (NM_133437.4); c.13657+30485C>T (NM_133432.3); short protein forms S9657L, S8413L, S9340L.
Identifiers: ClinVar variation 46816 (VCV000046816.26), dbSNP rs200049911, ClinGen allele CA139274.